The following is an entry in ClinVar:

ClinVar aggregate classification (germline): Conflicting classifications of pathogenicity. Review status: criteria provided, conflicting classifications (1 of 4 stars). 5 submissions from 5 submitters: Uncertain significance (1); Likely benign (2). 2 of the submissions do not count toward it. Last evaluated 2025-12-30.

Conditions:
Autosomal recessive nonsyndromic hearing loss 77. Identifiers: Orphanet 90636, MedGen C2746083, MONDO:0013119, OMIM 613079.

Allele frequency attached by ClinVar (database versions not stated): TOPMed 0.00010.
gnomAD v4.1: 119 of 1,551,270 alleles (0.0077%); highest among the groups gnomAD compares: Middle Eastern, 0.033%; no homozygotes.

Submissions (5):

Labcorp Genetics (formerly Invitae), Labcorp
Classification: Likely benign. Last evaluated: 2025-12-30. Review status: criteria provided, single submitter. Criteria: Invitae Variant Classification Sherloc (09022015). Collection method: clinical testing. Allele origin: germline.

CeGaT Center for Human Genetics Tuebingen
Classification: Likely benign. Last evaluated: 2022-04-01. Review status: criteria provided, single submitter. Criteria: CeGaT Center For Human Genetics Tuebingen Variant Classification Criteria Version 2. Collection method: clinical testing. Allele origin: germline. Affected: yes. Observed: 1 variant allele.
Comment: LOXHD1: BP4

Laboratory for Molecular Medicine, Mass General Brigham Personalized Medicine
Classification: Uncertain significance. Last evaluated: 2013-06-11. Review status: criteria provided, single submitter. Criteria: LMM Criteria. Collection method: clinical testing. Allele origin: germline. Observed: 1 variant allele.
Comment: Variant classified as Uncertain Significance - Favor Benign. The 1810-6C>A varia nt in LOXHD1 has not been reported in individuals affected with hearing loss, bu t has been identified in 0.3% (1/339) of European chromosomes by the ClinSeq Pro ject (dbSNP rs199804946). Although this variant has been seen in the general pop ulation, its frequency is not high enough to rule out a pathogenic role. This va riant is located in the 3' splice region but does not affect the invariant -1 an d -2 positions. Computational tools do not suggest an impact to splicing; howeve r, this information is not predictive enough to rule out pathogenicity. In summa ry, the clinical significance of this variant cannot be determined with certaint y; however based upon the computational data, we lean towards a more likely beni gn role.

Natera, Inc.
Classification: Uncertain significance for Autosomal recessive deafness type 77. Last evaluated: 2019-11-11. Review status: no assertion criteria provided. Collection method: clinical testing. Allele origin: germline. Not counted in ClinVar's aggregate classification.

Counsyl
Classification: Uncertain significance for Autosomal recessive nonsyndromic hearing loss 77. Last evaluated: 2017-08-15. Review status: no assertion criteria provided. Collection method: clinical testing. Allele origin: unknown. Not counted in ClinVar's aggregate classification.

NM_001384474.1(LOXHD1):c.1810-6C>A

Gene: LOXHD1 (lipoxygenase homology PLAT domains 1; minus strand). Cytogenetic location: 18q21.1.
Variant type: single nucleotide variant.
Coding change: c.1810-6C>A on transcript NM_001384474.1 (MANE Select); 6 bases into the intron before coding-DNA position 1810, C replaced by A.
Molecular consequence: intron variant.
Genome position (GRCh38, 1-based): chr18:46,577,873, G>T on the plus strand (C>A on the coding strand, the complement: LOXHD1 is on the minus strand). VCF-style: chr18-46577873-G-T. GRCh37 (hg19) VCF-style: chr18-44157836-G-T.
Other names: c.1810-6C>A (NM_144612.7).
Identifiers: ClinVar variation 178994 (VCV000178994.47), dbSNP rs199804946, ClinGen allele CA183452.